The following is an entry in ClinVar:

NM_001148.6(ANK2):c.2278-21C>T

Gene: ANK2 (ankyrin 2; plus strand). Cytogenetic location: 4q26.
Variant type: single nucleotide variant.
Coding change: c.2278-21C>T on transcript NM_001148.6 (MANE Select); 21 bases into the intron before coding-DNA position 2278, C replaced by T.
Molecular consequence: intron variant.
Genome position (GRCh38, 1-based): chr4:113,292,395, C>T. VCF-style: chr4-113292395-C-T. GRCh37 (hg19) VCF-style: chr4-114213551-C-T.
Other names: c.2266-21C>T (NM_001386186.2, NM_001386148.2); c.2068-21C>T (NM_001354269.3); c.2242-21C>T (NM_001386187.2); c.2236-21C>T (NM_001386147.1, NM_001386160.1, NM_001354261.2); c.2215-21C>T (NM_001354254.2, NM_001354239.2, NM_001354252.2 and 10 more transcripts); c.2116-21C>T (NM_001354253.2, NM_001354270.2, NM_001354257.2 and 1 more transcripts); c.2191-21C>T (NM_001354249.2, NM_001354266.2, NM_001354276.2 and 10 more transcripts); c.2092-21C>T (NM_001386151.1, NM_001354260.2, NM_001354271.2); and 8 more.
Identifiers: ClinVar variation 674684 (VCV000674684.2), dbSNP rs55706912, ClinGen allele CA3050511.

ClinVar aggregate classification (germline): Likely benign. Review status: criteria provided, multiple submitters, no conflicts (2 of 4 stars). 2 submissions from 2 submitters: Likely benign (2). Last evaluated 2018-06-19.

Allele frequency attached by ClinVar (database versions not stated): 1000 Genomes Project 30x 0.00312; 1000 Genomes Project 0.00359; ESP Exome Variant Server 0.00700; TOPMed 0.00735; gnomAD 0.00742 and 0.00793; gnomAD exomes 0.01047 and 0.01157; ExAC 0.01773.
gnomAD v4.1: 17,783 of 1,599,042 alleles (1.1%); highest among the groups gnomAD compares: South Asian, 2.5%; 150 homozygotes.

Submissions (2):

GeneDx
Classification: Likely benign. Last evaluated: 2018-06-19. Review status: criteria provided, single submitter. Criteria: GeneDx Variant Classification (06012015). Collection method: clinical testing. Allele origin: germline. Affected: yes.
Comment: This variant is considered likely benign or benign based on one or more of the following criteria: it is a conservative change, it occurs at a poorly conserved position in the protein, it is predicted to be benign by multiple in silico algorithms, and/or has population frequency not consistent with disease.

Breakthrough Genomics
Classification: Likely benign. Review status: criteria provided, single submitter. Criteria: ACMG Guidelines, 2015. Collection method: not provided. Allele origin: germline. Inheritance: Autosomal dominant inheritance. Affected: yes.